The following is an entry in ClinVar:

ClinVar aggregate classification (germline): Pathogenic. Review status: criteria provided, multiple submitters, no conflicts (2 of 4 stars). 2 submissions from 2 submitters: Pathogenic (2). Last evaluated 2024-01-16.

Conditions:
Inborn genetic diseases. Identifiers: MedGen C0950123, MeSH D030342.

Allele frequency attached by ClinVar (database versions not stated): gnomAD exomes 0.00001; ExAC 0.00002.
gnomAD v4.1: 9 of 1,614,188 alleles (0.00056%); highest among the groups gnomAD compares: Non-Finnish European, 0.00068%; no homozygotes.

Submissions (2):

Labcorp Genetics (formerly Invitae), Labcorp
Classification: Pathogenic. Last evaluated: 2024-01-16. Review status: criteria provided, single submitter. Criteria: Invitae Variant Classification Sherloc (09022015). Collection method: clinical testing. Allele origin: germline.
Comment: This sequence change creates a premature translational stop signal (p.Trp51*) in the NDUFV1 gene. It is expected to result in an absent or disrupted protein product. Loss-of-function variants in NDUFV1 are known to be pathogenic (PMID: 10080174, 11349233). This variant is present in population databases (rs761259319, gnomAD 0.004%). This variant has not been reported in the literature in individuals affected with NDUFV1-related conditions. ClinVar contains an entry for this variant (Variation ID: 2247547). For these reasons, this variant has been classified as Pathogenic.

Ambry Genetics
Classification: Pathogenic for Inborn genetic diseases. Last evaluated: 2021-10-14. Review status: criteria provided, single submitter. Criteria: Ambry Variant Classification Scheme 2023. Collection method: clinical testing. Allele origin: germline.
Comment: The c.153G>A (p.W51*) alteration, located in exon 2 (coding exon 2) of the NDUFV1 gene, consists of a G to A substitution at nucleotide position 153. This changes the amino acid from a tryptophan (W) to a stop codon at amino acid position 51. This alteration is expected to result in loss of function by premature protein truncation or nonsense-mediated mRNA decay. This alteration has been reported in the heterozygous state along with a second NDUFV1 variant in a patient with acidosis, leukoencephalopathy, and epilepsy (Mor&aacute;n, 2010). Based on the available evidence, this alteration is classified as pathogenic.

Literature cited by the submitters: PubMed 10080174 (cited by Labcorp Genetics (formerly Invitae), Labcorp); PubMed 11349233 (cited by Labcorp Genetics (formerly Invitae), Labcorp); PubMed 20153825 (cited by Ambry Genetics).

NM_007103.4(NDUFV1):c.153G>A (p.Trp51Ter)

Gene: NDUFV1 (NADH:ubiquinone oxidoreductase core subunit V1; plus strand). Cytogenetic location: 11q13.2.
Variant type: single nucleotide variant.
Coding change: c.153G>A on transcript NM_007103.4 (MANE Select); coding-DNA position 153, G replaced by A.
Protein change: p.Trp51Ter; replaces tryptophan 51 with a stop codon.
Molecular consequence: nonsense.
Genome position (GRCh38, 1-based): chr11:67,608,476, G>A. VCF-style: chr11-67608476-G-A. GRCh37 (hg19) VCF-style: chr11-67375947-G-A.
Other names: c.126G>A, p.Trp42Ter (NM_001166102.2); short protein forms W42*, W51*.
Identifiers: ClinVar variation 2247547 (VCV002247547.5), dbSNP rs761259319, ClinGen allele CA6143088.
Genomic context (GRCh38, chr11:67,608,476, plus strand): 5'-ATTTGGCTCGCTGAAGGATGAAGACCGGATTTTCACCAACCTGTACGGCCGCCATGACTG[G>A]AGGTGAGACAGTGCCCTTAGTGTGTTGGGTCCCGGAGCAAGGTGTCCCCTTCATTGCCTT-3'